The following is an entry in ClinVar:

NM_001083116.3(PRF1):c.431A>G (p.His144Arg)

Gene: PRF1 (perforin 1; minus strand). Cytogenetic location: 10q22.1.
Variant type: single nucleotide variant.
Coding change: c.431A>G on transcript NM_001083116.3 (MANE Select); coding-DNA position 431, A replaced by G.
Protein change: p.His144Arg; replaces histidine 144 with arginine.
Molecular consequence: missense variant.
Genome position (GRCh38, 1-based): chr10:70,600,472, T>C on the plus strand (A>G on the coding strand, the complement: PRF1 is on the minus strand). VCF-style: chr10-70600472-T-C. GRCh37 (hg19) VCF-style: chr10-72360228-T-C.
Other names: c.431A>G, p.His144Arg (NM_005041.6); short protein forms H144R.
Identifiers: ClinVar variation 582900 (VCV000582900.2), dbSNP rs765636779, ClinGen allele CA5539038.
Genomic context (GRCh38, chr10:70,600,472, plus strand): 5'-TGGTGGGTCTTCTGGGCTGCAAAGTTGGCTGCCTGTGAGTGTGAGCCGGCCACAGACACA[T>C]GCACATTGCTGGTGGGCTTAGGAGTCACGTCCAGCCCGACCTTCCAGTCGTTGCGGATGC-3'
Protein context (NP_001076585.1, residues 134-154): DVTPKPTSNV[His144Arg]VSVAGSHSQA

ClinVar aggregate classification (germline): Conflicting classifications of pathogenicity. Review status: criteria provided, conflicting classifications (1 of 4 stars). 2 submissions from 2 submitters: Uncertain significance (1); Likely benign (1). Last evaluated 2025-03-14.

Conditions:
Inborn genetic diseases. Identifiers: MedGen C0950123, MeSH D030342.
Familial hemophagocytic lymphohistiocytosis 2 (FHL2). Also called: PRF1-Related Familial Hemophagocytic Lymphohistiocytosis (PRF1-fHLH). Identifiers: Orphanet 540, MedGen C1863727, MONDO:0011337, OMIM 603553.

Allele frequency attached by ClinVar (database versions not stated): gnomAD exomes 0.00003; ExAC 0.00005; gnomAD 0.00001; TOPMed 0.00001.
gnomAD v4.1: 17 of 1,614,076 alleles (0.0011%); highest among the groups gnomAD compares: Admixed American, 0.0017%; no homozygotes.

Submissions (2):

Ambry Genetics
Classification: Likely benign for Inborn genetic diseases. Last evaluated: 2025-03-14. Review status: criteria provided, single submitter. Criteria: Ambry Variant Classification Scheme 2023. Collection method: clinical testing. Allele origin: germline.

Labcorp Genetics (formerly Invitae), Labcorp
Classification: Uncertain significance for Hemophagocytic lymphohistiocytosis, familial, 2. Last evaluated: 2018-02-26. Review status: criteria provided, single submitter. Criteria: Invitae Variant Classification Sherloc (09022015). Collection method: clinical testing. Allele origin: germline.
Comment: This sequence change replaces histidine with arginine at codon 144 of the PRF1 protein (p.His144Arg). The histidine residue is weakly conserved and there is a small physicochemical difference between histidine and arginine. This variant is present in population databases (rs765636779, ExAC 0.009%). This variant has not been reported in the literature in individuals with PRF1-related disease. Algorithms developed to predict the effect of missense changes on protein structure and function output the following: SIFT: "Tolerated"; PolyPhen-2: "Benign"; Align-GVGD: "Class C0". The arginine amino acid residue is found in multiple mammalian species, suggesting that this missense change does not adversely affect protein function. These predictions have not been confirmed by published functional studies and their clinical significance is uncertain. Algorithms developed to predict the effect of sequence changes on RNA splicing suggest that this variant may create or strengthen a splice site, but this prediction has not been confirmed by published transcriptional studies. In summary, the available evidence is currently insufficient to determine the role of this variant in disease. Therefore, it has been classified as a Variant of Uncertain Significance.